The following is an entry in ClinVar:

NM_001843.4(CNTN1):c.697C>G (p.Pro233Ala)

Gene: CNTN1 (contactin 1; plus strand). Cytogenetic location: 12q12.
Variant type: single nucleotide variant.
Coding change: c.697C>G on transcript NM_001843.4 (MANE Select); coding-DNA position 697, C replaced by G.
Protein change: p.Pro233Ala; replaces proline 233 with alanine.
Molecular consequence: missense variant.
Genome position (GRCh38, 1-based): chr12:40,929,996, C>G. VCF-style: chr12-40929996-C-G. GRCh37 (hg19) VCF-style: chr12-41323798-C-G.
Other names: c.697C>G, p.Pro233Ala (NM_001256063.2, NM_001256064.2); c.664C>G, p.Pro222Ala (NM_175038.2); short protein forms P222A, P233A.
Identifiers: ClinVar variation 1396172 (VCV001396172.6), dbSNP rs1945827865, ClinGen allele CA384422890.
Genomic context (GRCh38, chr12:40,929,996, plus strand): 5'-GTTTCCAGTCCTTCTATTACAAAGAGCGTGTTCAGCAAATTCATCCCACTCATTCCAATA[C>G]CTGAACGTAAGTATTTTATTTGTTACACTCTGTTTTCGCAAGGTTATCTACATATGGTAT-3'
Protein context (NP_001834.2, residues 223-243): FSKFIPLIPI[Pro233Ala]ERTTKPYPAD

ClinVar aggregate classification (germline): Uncertain significance (1 of 4 stars; one submission).

Conditions:
Compton-North congenital myopathy (CMYO12). Identifiers: Orphanet 210163, MedGen C2675527, MONDO:0012929, OMIM 612540.

Submission:

Labcorp Genetics (formerly Invitae), Labcorp
Classification: Uncertain significance for Compton-North congenital myopathy. Last evaluated: 2021-12-03. Review status: criteria provided, single submitter. Criteria: Invitae Variant Classification Sherloc (09022015). Collection method: clinical testing. Allele origin: germline.
Comment: This sequence change replaces proline, which is neutral and non-polar, with alanine, which is neutral and non-polar, at codon 233 of the CNTN1 protein (p.Pro233Ala). This variant is not present in population databases (gnomAD no frequency). This variant has not been reported in the literature in individuals affected with CNTN1-related conditions. Advanced modeling of protein sequence and biophysical properties (such as structural, functional, and spatial information, amino acid conservation, physicochemical variation, residue mobility, and thermodynamic stability) performed at Invitae indicates that this missense variant is not expected to disrupt CNTN1 protein function. Algorithms developed to predict the effect of sequence changes on RNA splicing suggest that this variant may create or strengthen a splice site. In summary, the available evidence is currently insufficient to determine the role of this variant in disease. Therefore, it has been classified as a Variant of Uncertain Significance.